The following is an entry in ClinVar:

ClinVar aggregate classification (germline): Uncertain significance (1 of 4 stars; one submission).

gnomAD v4.1: 2 of 1,471,300 alleles (0.00014%); highest among the groups gnomAD compares: South Asian, 0.0014%; no homozygotes.

Submission:

Labcorp Genetics (formerly Invitae), Labcorp
Classification: Uncertain significance. Last evaluated: 2025-03-13. Review status: criteria provided, single submitter. Criteria: Invitae Variant Classification Sherloc (09022015). Collection method: clinical testing. Allele origin: germline.
Comment: This sequence change replaces arginine, which is basic and polar, with lysine, which is basic and polar, at codon 1222 of the MYH7B protein (p.Arg1222Lys). This variant is not present in population databases (gnomAD no frequency). This variant has not been reported in the literature in individuals affected with MYH7B-related conditions. An algorithm developed to predict the effect of missense changes on protein structure and function (PolyPhen-2) suggests that this variant is likely to be tolerated. In summary, the available evidence is currently insufficient to determine the role of this variant in disease. Therefore, it has been classified as a Variant of Uncertain Significance.

NM_020884.7(MYH7B):c.3539G>A (p.Arg1180Lys)

Gene: MYH7B (myosin heavy chain 7B; plus strand). Cytogenetic location: 20q11.22.
Variant type: single nucleotide variant.
Coding change: c.3539G>A on transcript NM_020884.7 (MANE Select); coding-DNA position 3539, G replaced by A.
Protein change: p.Arg1180Lys; replaces arginine 1180 with lysine.
Molecular consequence: missense variant.
Genome position (GRCh38, 1-based): chr20:34,997,432, G>A. VCF-style: chr20-34997432-G-A. GRCh37 (hg19) VCF-style: chr20-33585235-G-A.
Other names: short protein forms R1180K.
Identifiers: ClinVar variation 4699777 (VCV004699777.1).
Genomic context (GRCh38, chr20:34,997,432, plus strand): 5'-CAGGCGGCGCATCCGCGGGGCAGCGCGAGGGCTGCCGCAAGCGGGAGGCGGAGCTGGGGA[G>A]GCTGCGGCGGGAGCTGGAGGAGGCGGCGCTGCGGCACGAGGCCACAGTGGCGGCACTGCG-3'
Protein context (NP_065935.4, residues 1170-1190): GCRKREAELG[Arg1180Lys]LRRELEEAAL